The following is an entry in ClinVar:

NM_001127222.2(CACNA1A):c.632-18C>A

Gene: CACNA1A (calcium voltage-gated channel subunit alpha1 A; minus strand). Cytogenetic location: 19p13.13.
Variant type: single nucleotide variant.
Coding change: c.632-18C>A on transcript NM_001127222.2 (MANE Select); 18 bases into the intron before coding-DNA position 632, C replaced by A.
Molecular consequence: intron variant.
Genome position (GRCh38, 1-based): chr19:13,365,487, G>T on the plus strand (C>A on the coding strand, the complement: CACNA1A is on the minus strand). VCF-style: chr19-13365487-G-T. GRCh37 (hg19) VCF-style: chr19-13476301-G-T.
Other names: c.632-18C>A (NM_001127221.2, NM_001174080.2, NM_000068.4 and 1 more transcripts).
Identifiers: ClinVar variation 390315 (VCV000390315.1), dbSNP rs1057523722, ClinGen allele CA16608959.

ClinVar aggregate classification (germline): Likely benign (1 of 4 stars; one submission).

gnomAD v4.1: 1 of 1,612,318 alleles (0.000062%); highest among the groups gnomAD compares: Non-Finnish European, 0.000085%; no homozygotes.

Submission:

GeneDx
Classification: Likely benign. Last evaluated: 2016-10-25. Review status: criteria provided, single submitter. Criteria: GeneDx Variant Classification (06012015). Collection method: clinical testing. Allele origin: germline. Affected: yes.
Comment: This variant is considered likely benign or benign based on one or more of the following criteria: it is a conservative change, it occurs at a poorly conserved position in the protein, it is predicted to be benign by multiple in silico algorithms, and/or has population frequency not consistent with disease.